The following is an entry in ClinVar:

NM_004463.3(FGD1):c.942C>A (p.Pro314=)

Gene: FGD1 (FYVE, RhoGEF and PH domain containing 1; minus strand). Cytogenetic location: Xp11.22.
Variant type: single nucleotide variant.
Coding change: c.942C>A on transcript NM_004463.3 (MANE Select); coding-DNA position 942, C replaced by A.
Protein change: p.Pro314=; no amino-acid change (proline 314 retained).
Molecular consequence: synonymous variant.
Genome position (GRCh38, 1-based): chrX:54,470,175, G>T on the plus strand (C>A on the coding strand, the complement: FGD1 is on the minus strand). VCF-style: chrX-54470175-G-T. GRCh37 (hg19) VCF-style: chrX-54496608-G-T.
Identifiers: ClinVar variation 773926 (VCV000773926.12), dbSNP rs200512089, ClinGen allele CA10425193.

ClinVar aggregate classification (germline): Benign. Review status: criteria provided, multiple submitters, no conflicts (2 of 4 stars). 3 submissions from 3 submitters: Benign (2). 1 of the submissions does not count toward it. Last evaluated 2025-12-11.

Conditions:
FGD1-related disorder. Also called: FGD1-related disorders; FGD1-related condition.

Allele frequency attached by ClinVar (database versions not stated): gnomAD 0.00008 and 0.00015; gnomAD exomes 0.00020 and 0.00037; TOPMed 0.00033; ExAC 0.00051; 1000 Genomes Project 0.00132; 1000 Genomes Project 30x 0.00166.
gnomAD v4.1: 233 of 1,208,272 alleles (0.019%); highest among the groups gnomAD compares: East Asian, 0.61%; 1 homozygote.

Submissions (3):

Labcorp Genetics (formerly Invitae), Labcorp
Classification: Benign. Last evaluated: 2025-12-11. Review status: criteria provided, single submitter. Criteria: Invitae Variant Classification Sherloc (09022015). Collection method: clinical testing. Allele origin: germline.

Blueprint Genetics
Classification: Benign. Last evaluated: 2024-09-05. Review status: criteria provided, single submitter. Criteria: ACMG Guidelines, 2015. Collection method: clinical testing. Allele origin: germline.

PreventionGenetics, part of Exact Sciences
Classification: Benign for FGD1-related condition. Last evaluated: 2019-06-17. Review status: no assertion criteria provided. Collection method: clinical testing. Allele origin: germline. Not counted in ClinVar's aggregate classification.
Comment: This variant is classified as benign based on ACMG/AMP sequence variant interpretation guidelines (Richards et al. 2015 PMID: 25741868, with internal and published modifications).